The following is an entry in ClinVar:

NM_152383.5(DIS3L2):c.2363G>A (p.Arg788His)

Gene: DIS3L2 (DIS3 like 3'-5' exoribonuclease 2; plus strand). Cytogenetic location: 2q37.1.
Variant type: single nucleotide variant.
Coding change: c.2363G>A on transcript NM_152383.5 (MANE Select); coding-DNA position 2363, G replaced by A.
Protein change: p.Arg788His; replaces arginine 788 with histidine.
Molecular consequence: missense variant. On other transcripts: non-coding transcript variant (2), intron variant (1).
Genome position (GRCh38, 1-based): chr2:232,334,704, G>A. VCF-style: chr2-232334704-G-A. GRCh37 (hg19) VCF-style: chr2-233199414-G-A.
Other names: c.1582-8641G>A (NM_001257281.2); short protein forms R788H.
Identifiers: ClinVar variation 569711 (VCV000569711.9), dbSNP rs370149214, ClinGen allele CA2164510.

ClinVar aggregate classification (germline): Uncertain significance (1 of 4 stars; one submission).

Conditions:
Perlman syndrome (PRLMNS). Identifiers: Orphanet 2849, MedGen C0796113, MONDO:0009965, OMIM 267000.

Allele frequency attached by ClinVar (database versions not stated): gnomAD 0.00001; TOPMed 0.00003; gnomAD exomes 0.00004 and 0.00006; ESP Exome Variant Server 0.00016; ExAC 0.00023.
gnomAD v4.1: 58 of 1,609,290 alleles (0.0036%); highest among the groups gnomAD compares: South Asian, 0.015%; no homozygotes.

Submission:

Labcorp Genetics (formerly Invitae), Labcorp
Classification: Uncertain significance for Perlman syndrome. Last evaluated: 2025-07-17. Review status: criteria provided, single submitter. Criteria: Invitae Variant Classification Sherloc (09022015). Collection method: clinical testing. Allele origin: germline.
Comment: This sequence change replaces arginine, which is basic and polar, with histidine, which is basic and polar, at codon 788 of the DIS3L2 protein (p.Arg788His). The frequency data for this variant in the population databases is considered unreliable, as metrics indicate poor data quality at this position in the gnomAD database. This variant has not been reported in the literature in individuals affected with DIS3L2-related conditions. ClinVar contains an entry for this variant (Variation ID: 569711). Invitae Evidence Modeling of protein sequence and biophysical properties (such as structural, functional, and spatial information, amino acid conservation, physicochemical variation, residue mobility, and thermodynamic stability) indicates that this missense variant is not expected to disrupt DIS3L2 protein function with a negative predictive value of 80%. In summary, the available evidence is currently insufficient to determine the role of this variant in disease. Therefore, it has been classified as a Variant of Uncertain Significance.